The following is an entry in ClinVar:

NM_001039141.3(TRIOBP):c.1892G>A (p.Arg631Gln)

Gene: TRIOBP (TRIO and F-actin binding protein; plus strand). Cytogenetic location: 22q13.1.
Variant type: single nucleotide variant.
Coding change: c.1892G>A on transcript NM_001039141.3 (MANE Select); coding-DNA position 1892, G replaced by A.
Protein change: p.Arg631Gln; replaces arginine 631 with glutamine.
Molecular consequence: missense variant.
Genome position (GRCh38, 1-based): chr22:37,724,448, G>A. VCF-style: chr22-37724448-G-A. GRCh37 (hg19) VCF-style: chr22-38120455-G-A.
Other names: c.1892G>A (NM_001039141.2); short protein forms R631Q.
Identifiers: ClinVar variation 1468126 (VCV001468126.7), dbSNP rs539096864, ClinGen allele CA10223724.

ClinVar aggregate classification (germline): Uncertain significance. Review status: criteria provided, multiple submitters, no conflicts (2 of 4 stars). 2 submissions from 2 submitters: Uncertain significance (2). Last evaluated 2026-02-13.

Conditions:
TRIOBP-related disorder. Also called: TRIOBP-related condition.

Allele frequency attached by ClinVar (database versions not stated): 1000 Genomes Project 0.00020.
gnomAD v4.1: 114 of 1,610,412 alleles (0.0071%); highest among the groups gnomAD compares: Admixed American, 0.025%; no homozygotes.

Submissions (2):

PreventionGenetics, part of Exact Sciences
Classification: Uncertain significance for TRIOBP-related condition. Last evaluated: 2026-02-13. Review status: criteria provided, single submitter. Criteria: ACMG Guidelines, 2015. Collection method: clinical testing. Allele origin: germline.
Comment: The TRIOBP c.1892G>A variant is predicted to result in the amino acid substitution p.Arg631Gln. To our knowledge, this variant has not been reported in the literature. This variant is reported in 0.0085% of alleles in individuals of Latino descent in gnomAD. At this time, the clinical significance of this variant is uncertain due to the absence of conclusive functional and genetic evidence.

Labcorp Genetics (formerly Invitae), Labcorp
Classification: Uncertain significance. Last evaluated: 2021-11-29. Review status: criteria provided, single submitter. Criteria: Invitae Variant Classification Sherloc (09022015). Collection method: clinical testing. Allele origin: germline.
Comment: This sequence change replaces arginine, which is basic and polar, with glutamine, which is neutral and polar, at codon 631 of the TRIOBP protein (p.Arg631Gln). This variant is present in population databases (rs539096864, gnomAD 0.009%). This variant has not been reported in the literature in individuals affected with TRIOBP-related conditions. Algorithms developed to predict the effect of missense changes on protein structure and function output the following: SIFT: "Tolerated"; PolyPhen-2: "Benign"; Align-GVGD: "Class C0". The glutamine amino acid residue is found in multiple mammalian species, which suggests that this missense change does not adversely affect protein function. Algorithms developed to predict the effect of sequence changes on RNA splicing suggest that this variant may create or strengthen a splice site. In summary, the available evidence is currently insufficient to determine the role of this variant in disease. Therefore, it has been classified as a Variant of Uncertain Significance.